The following is an entry in ClinVar:

ClinVar aggregate classification (germline): Conflicting classifications of pathogenicity. Review status: criteria provided, conflicting classifications (1 of 4 stars). 2 submissions from 2 submitters: Uncertain significance (1); Likely benign (1). Last evaluated 2026-01-26.

Conditions:
Hereditary cancer-predisposing syndrome. Also called: Hereditary Cancer Syndrome; Tumor predisposition; Neoplastic Syndromes, Hereditary; Hereditary neoplastic syndrome. Identifiers: Orphanet 140162, MedGen C0027672, MeSH D009386, MONDO:0015356.
EGFR-related lung cancer (EGFR). Identifiers: MedGen CN130014.

Allele frequency attached by ClinVar (database versions not stated): gnomAD exomes 0.00002; ExAC below 0.00001.
gnomAD v4.1: 5 of 1,512,438 alleles (0.00033%); highest among the groups gnomAD compares: Admixed American, 0.0097%; no homozygotes.

Submissions (2):

Ambry Genetics
Classification: Likely benign for Hereditary cancer-predisposing syndrome. Last evaluated: 2026-01-26. Review status: criteria provided, single submitter. Criteria: Ambry Variant Classification Scheme 2023. Collection method: clinical testing. Allele origin: germline.

Labcorp Genetics (formerly Invitae), Labcorp
Classification: Uncertain significance for EGFR-related lung cancer. Last evaluated: 2025-04-29. Review status: criteria provided, single submitter. Criteria: Invitae Variant Classification Sherloc (09022015). Collection method: clinical testing. Allele origin: germline.
Comment: This sequence change replaces glycine, which is neutral and non-polar, with arginine, which is basic and polar, at codon 8 of the EGFR protein (p.Gly8Arg). The frequency data for this variant in the population databases is considered unreliable, as metrics indicate poor data quality at this position in the gnomAD database. This variant has not been reported in the literature in individuals affected with EGFR-related conditions. ClinVar contains an entry for this variant (Variation ID: 858314). An algorithm developed to predict the effect of missense changes on protein structure and function outputs the following: PolyPhen-2: "Benign". The arginine amino acid residue is found in multiple mammalian species, which suggests that this missense change does not adversely affect protein function. In summary, the available evidence is currently insufficient to determine the role of this variant in disease. Therefore, it has been classified as a Variant of Uncertain Significance.

NM_005228.5(EGFR):c.22G>A (p.Gly8Arg)

Gene: EGFR (epidermal growth factor receptor; plus strand). Cytogenetic location: 7p11.2.
Variant type: single nucleotide variant.
Coding change: c.22G>A on transcript NM_005228.5 (MANE Select); coding-DNA position 22, G replaced by A.
Protein change: p.Gly8Arg; replaces glycine 8 with arginine.
Molecular consequence: missense variant.
Genome position (GRCh38, 1-based): chr7:55,019,299, G>A. VCF-style: chr7-55019299-G-A. GRCh37 (hg19) VCF-style: chr7-55086992-G-A.
Other names: c.22G>A, p.Gly8Arg (NM_001346897.2, NM_001346898.2, NM_001346899.2 and 4 more transcripts); short protein forms G8R.
Identifiers: ClinVar variation 858314 (VCV000858314.8), dbSNP rs754259847, ClinGen allele CA4265105.